The following is an entry in ClinVar:

ClinVar aggregate classification (germline): Conflicting classifications of pathogenicity. Review status: criteria provided, conflicting classifications (1 of 4 stars). 3 submissions from 3 submitters: Likely pathogenic (2); Uncertain significance (1). Last evaluated 2025-03-04.

Conditions:
Cardiovascular phenotype. Identifiers: MedGen CN230736.
Autosomal recessive limb-girdle muscular dystrophy type 2J (LGMDR10). Also called: Limb-girdle muscular dystrophy, type 2J; MUSCULAR DYSTROPHY, LIMB-GIRDLE, AUTOSOMAL RECESSIVE 10. Identifiers: Orphanet 140922, MedGen C1837342, MONDO:0012127, OMIM 608807.
Dilated cardiomyopathy 1G (CMD1G). Identifiers: Orphanet 154, MedGen C1858763, MONDO:0011400, OMIM 604145.

Submissions (3):

Ambry Genetics
Classification: Likely pathogenic for Cardiovascular phenotype. Last evaluated: 2025-03-04. Review status: criteria provided, single submitter. Criteria: Ambry Variant Classification Scheme 2023. Collection method: clinical testing. Allele origin: germline.
Comment: The c.5257dupA variant, located in coding exon 26 of the TTN gene, results from a duplication of A at nucleotide position 5257, causing a translational frameshift with a predicted alternate stop codon (p.S1753Kfs*10). This exon is located in the near Z-disk/I-band region of the N2-B isoform of the titin protein and is constitutively expressed in TTN transcripts (percent spliced in or PSI 100%). This variant is considered to be rare based on population cohorts in the Genome Aggregation Database (gnomAD). This variant is expected to result in loss of function by premature protein truncation or nonsense-mediated mRNA decay. While truncating variants in TTN are present in 1-3% of the general population, truncating variants in the A-band are the most common cause of dilated cardiomyopathy (Herman DS et al. N. Engl. J. Med., 2012 Feb;366:619-28; Roberts AM et al. Sci Transl Med, 2015 Jan;7:270ra6). TTN truncating variants encoded in constitutive exons (PSI >90%) have been found to be significantly associated with DCM regardless of their position in titin (Schafer S et al. Nat. Genet., 2017 01;49:46-53; Akhtar MM et al. Circ Heart Fail, 2020 Oct;13:e006832; Massier M et al. Clin Genet, 2025 Jan). Based on the majority of available evidence to date, this variant is likely to be pathogenic.

Labcorp Genetics (formerly Invitae), Labcorp
Classification: Likely pathogenic for Dilated cardiomyopathy 1G; Autosomal recessive limb-girdle muscular dystrophy type 2J. Last evaluated: 2024-10-18. Review status: criteria provided, single submitter. Criteria: Invitae Variant Classification Sherloc (09022015). Collection method: clinical testing. Allele origin: germline.
Comment: This sequence change creates a premature translational stop signal (p.Ser1799Lysfs*10) in the TTN gene. While this is not anticipated to result in nonsense mediated decay, it is expected to create a truncated TTN protein. This variant is not present in population databases (gnomAD no frequency). This variant has not been reported in the literature in individuals affected with TTN-related conditions. ClinVar contains an entry for this variant (Variation ID: 451454). This variant is located in the Z band of TTN (PMID: 25589632). Truncating variants in this region have been reported in individuals affected with autosomal recessive centronuclear myopathy (PMID: 33449170, internal data). Truncating variants in this region have also been identified in individuals affected with autosomal dominant dilated cardiomyopathy and/or cardio-related conditions (PMID: 27869827, 32964742, internal data). In summary, the currently available evidence indicates that the variant is pathogenic, but additional data are needed to prove that conclusively. Therefore, this variant has been classified as Likely Pathogenic.

GeneDx
Classification: Uncertain significance. Last evaluated: 2017-08-18. Review status: criteria provided, single submitter. Criteria: GeneDx Variant Classification (06012015). Collection method: clinical testing. Allele origin: germline. Affected: yes.
Comment: A variant of uncertain significance has been identified in the TTN gene. The c.5395dupA variant has not been published as pathogenic or been reported as benign to our knowledge. This variant is not observed in large population cohorts (Lek et al., 2016; 1000 Genomes Consortium et al., 2015; Exome Variant Server). The c.5395dupA variant causes a shift in reading frame starting at codon serine 1799, changing it to a lysine, and creating a premature stop codon at position 10 of the new reading frame, denoted p.Ser1799LysfsX10. This variant is expected to result in either an abnormal, truncated protein product or loss of protein from this allele through nonsense-mediated mRNA decay. However, other truncating TTN variants have been reported in approximately 3% of control alleles and the c.5395dupA variant is not located in the A-band region of titin, where the majority of truncating pathogenic variants associated with DCM have been reported (Herman et al., 2012).

Literature cited by the submitters: PubMed 25589632 (cited by Labcorp Genetics (formerly Invitae), Labcorp); PubMed 33449170 (cited by Labcorp Genetics (formerly Invitae), Labcorp); PubMed 27869827 (cited by Labcorp Genetics (formerly Invitae), Labcorp); PubMed 32964742 (cited by Labcorp Genetics (formerly Invitae), Labcorp).

NM_001267550.2(TTN):c.5395dup (p.Ser1799fs)

Gene: TTN (titin; minus strand). Cytogenetic location: 2q31.2.
Variant type: Duplication.
Coding change: c.5395dup on transcript NM_001267550.2 (MANE Select); coding-DNA position 5395, one base duplicated (A; older notation c.5395dupA).
Protein change: p.Ser1799fs; shifts the reading frame from serine 1799.
Molecular consequence: frameshift variant.
Genome position (GRCh38, 1-based): chr2:178,776,469, T duplicated on the plus strand (A on the coding strand, the reverse complement: TTN is on the minus strand); the first of 4 consecutive T bases (chr2:178,776,469-178,776,472); duplicating any one gives the same sequence. VCF-style (leftmost placement, unchanged base first): chr2-178776468-C-CT. GRCh37 (hg19) VCF-style: chr2-179641195-C-CT.
Other names: c.5395dupA (NM_001256850.1); c.5395dup, p.Ser1799fs (NM_001256850.1, NM_133378.4, NM_133379.5); c.5257dup, p.Ser1753fs (NM_003319.4, NM_133432.3, NM_133437.4); c.5257dupA (NM_003319.4); short protein forms S1753fs, S1799fs.
Identifiers: ClinVar variation 451454 (VCV000451454.14), dbSNP rs1064796474, ClinGen allele CA658657188.
Genomic context (GRCh38, chr2:178,776,468, plus strand): 5'-AATTCTTCAATTCTCTGTAAGCCTTTCCTCCCCTCAGGCAATTGGGATTCTTCCACAAGA[C>CT]TTTTCTCATCTTTAACAATAAGGGTAGCAGATGTGTGATCTGTTCCATATTTGTTAGTGG-3'